The following is an entry in ClinVar:

NM_002351.5(SH2D1A):c.117C>T (p.Gly39=)

Gene: SH2D1A (SH2 domain containing 1A; plus strand). Cytogenetic location: Xq25.
Variant type: single nucleotide variant.
Coding change: c.117C>T on transcript NM_002351.5 (MANE Select); coding-DNA position 117, C replaced by T.
Protein change: p.Gly39=; no amino-acid change (glycine 39 retained).
Molecular consequence: synonymous variant.
Genome position (GRCh38, 1-based): chrX:124,346,759, C>T. VCF-style: chrX-124346759-C-T. GRCh37 (hg19) VCF-style: chrX-123480609-C-T.
Other names: c.117C>T, p.Gly39= (NM_001114937.3).
Identifiers: ClinVar variation 4993720 (VCV004993720.1).

ClinVar aggregate classification (germline): Likely pathogenic (1 of 4 stars; one submission).

Conditions:
SH2D1A-related disorder. Also called: SH2D1A-related condition.

Submission:

PreventionGenetics, part of Exact Sciences
Classification: Likely pathogenic for SH2D1A-related condition. Last evaluated: 2025-11-12. Review status: criteria provided, single submitter. Criteria: ACMG Guidelines, 2015. Collection method: clinical testing. Allele origin: germline.
Comment: The SH2D1A c.117C>T variant is not predicted to result in an amino acid change (p.=). This variant has been reported in individuals with lymphoproliferative syndrome, immunodeficiency, and hemophagocytic lymphohistiocytosis (Called c.416C>T, Sumazaki et al. 2001. PubMed ID: 11493483; Marsh et al. 2014. PubMed ID: 24923536; Table S1, Monies et al. 2019. PubMed ID: 31130284; Gadoury-Levesque et al. 2020. PubMed ID: 32542393; Hoshino et al. 2019. PubMed ID: 30342818). This variant is predicted to alter splicing (SpliceAI, Jaganathan et al. 2019. PubMed ID: 30661751). However, the use of computer prediction programs is not equivalent to functional evidence. This variant has not been reported in a large population database (gnomAD), indicating this variant is rare. This variant is interpreted as likely pathogenic.